The following is an entry in ClinVar:

NM_000548.5(TSC2):c.600-17C>T

Gene: TSC2 (TSC complex subunit 2; plus strand). Cytogenetic location: 16p13.3.
Variant type: single nucleotide variant.
Coding change: c.600-17C>T on transcript NM_000548.5 (MANE Select); 17 bases into the intron before coding-DNA position 600, C replaced by T.
Molecular consequence: intron variant. On other transcripts: 5 prime UTR variant (4).
Genome position (GRCh38, 1-based): chr16:2,056,179, C>T. VCF-style: chr16-2056179-C-T. GRCh37 (hg19) VCF-style: chr16-2106180-C-T.
Other names: c.-18C>T (NM_001406680.1, NM_001406683.1, NM_001406687.1); c.-849C>T (NM_001406693.1); c.690-17C>T (NM_001406667.1, NM_001406668.1); c.-832-17C>T (NM_001406689.1, NM_001406690.1, NM_001406692.1 and 2 more transcripts); c.-1008-17C>T (NM_001406698.1); c.600-17C>T (NM_001114382.3, NM_001406663.1, NM_001406664.1 and 8 more transcripts); c.-713-17C>T (NM_001406694.1, NM_001406695.1); c.-820-17C>T (NM_001406696.1); and 6 more.
Identifiers: ClinVar variation 4071308 (VCV004071308.1).

ClinVar aggregate classification (germline): Likely benign (1 of 4 stars; one submission).

Conditions:
Tuberous sclerosis 2 (TSC2). Identifiers: Orphanet 805, MedGen C1860707, MONDO:0013199, OMIM 613254.

Submission:

Myriad Genetics, Inc.
Classification: Likely benign for Tuberous sclerosis 2. Last evaluated: 2025-05-08. Review status: criteria provided, single submitter. Criteria: Myriad Autosomal Dominant, Autosomal Recessive and X-Linked Classification Criteria (2023). Collection method: clinical testing. Allele origin: unknown.
Comment: This variant is considered likely benign. This variant is intronic and is not expected to impact mRNA splicing.